The following is an entry in ClinVar:

NM_012318.3(LETM1):c.94G>T (p.Asp32Tyr)

Gene: LETM1 (leucine zipper and EF-hand containing transmembrane protein 1; minus strand). Cytogenetic location: 4p16.3.
Variant type: single nucleotide variant.
Coding change: c.94G>T on transcript NM_012318.3 (MANE Select); coding-DNA position 94, G replaced by T.
Protein change: p.Asp32Tyr; replaces aspartic acid 32 with tyrosine.
Molecular consequence: missense variant.
Genome position (GRCh38, 1-based): chr4:1,849,198, C>A on the plus strand (G>T on the coding strand, the complement: LETM1 is on the minus strand). VCF-style: chr4-1849198-C-A. GRCh37 (hg19) VCF-style: chr4-1850925-C-A.
Other names: short protein forms D32Y.
Identifiers: ClinVar variation 1939503 (VCV001939503.7), dbSNP rs375368844, ClinGen allele CA2811765.

ClinVar aggregate classification (germline): Uncertain significance. Review status: criteria provided, multiple submitters, no conflicts (2 of 4 stars). 2 submissions from 2 submitters: Uncertain significance (2). Last evaluated 2024-11-21.

Conditions:
Inborn genetic diseases. Identifiers: MedGen C0950123, MeSH D030342.

Allele frequency attached by ClinVar (database versions not stated): ExAC 0.00003; ESP Exome Variant Server 0.00008; TOPMed 0.00011.
gnomAD v4.1: 28 of 1,612,128 alleles (0.0017%); highest among the groups gnomAD compares: African/African-American, 0.029%; no homozygotes.

Submissions (2):

Ambry Genetics
Classification: Uncertain significance for Inborn genetic diseases. Last evaluated: 2024-11-21. Review status: criteria provided, single submitter. Criteria: Ambry Variant Classification Scheme 2023. Collection method: clinical testing. Allele origin: germline.

Labcorp Genetics (formerly Invitae), Labcorp
Classification: Uncertain significance. Last evaluated: 2024-02-24. Review status: criteria provided, single submitter. Criteria: Invitae Variant Classification Sherloc (09022015). Collection method: clinical testing. Allele origin: germline.
Comment: This sequence change replaces aspartic acid, which is acidic and polar, with tyrosine, which is neutral and polar, at codon 32 of the LETM1 protein (p.Asp32Tyr). This variant is present in population databases (rs375368844, gnomAD 0.02%). This variant has not been reported in the literature in individuals affected with LETM1-related conditions. ClinVar contains an entry for this variant (Variation ID: 1939503). An algorithm developed to predict the effect of missense changes on protein structure and function (PolyPhen-2) suggests that this variant is likely to be tolerated. In summary, the available evidence is currently insufficient to determine the role of this variant in disease. Therefore, it has been classified as a Variant of Uncertain Significance.